The following is an entry in ClinVar:

NM_002618.4(PEX13):c.805A>G (p.Ser269Gly)

Gene: PEX13 (peroxisomal biogenesis factor 13; plus strand). Cytogenetic location: 2p15.
Variant type: single nucleotide variant.
Coding change: c.805A>G on transcript NM_002618.4 (MANE Select); coding-DNA position 805, A replaced by G.
Protein change: p.Ser269Gly; replaces serine 269 with glycine.
Molecular consequence: missense variant.
Genome position (GRCh38, 1-based): chr2:61,045,743, A>G. VCF-style: chr2-61045743-A-G. GRCh37 (hg19) VCF-style: chr2-61272878-A-G.
Other names: short protein forms S269G.
Identifiers: ClinVar variation 1963145 (VCV001963145.5), dbSNP rs1334899450, ClinGen allele CA346948127.
Genomic context (GRCh38, chr2:61,045,743, plus strand): 5'-TCTTTTGTAAATTTTATTAACCTAATTTTAATTTGGCTTATAGACAGCATCAACTGGGCA[A>G]GTGGTGAGGATGACCATGTAGTTGCCAGAGCAGAATATGATTTTGCTGCCGTATCTGAAG-3'
Protein context (NP_002609.1, residues 259-279): DEVTDSINWA[Ser269Gly]GEDDHVVARA

ClinVar aggregate classification (germline): Uncertain significance (1 of 4 stars; one submission).

Conditions:
Peroxisome biogenesis disorder 11A (Zellweger). Also called: Peroxisome biogenesis disorder 11A. Identifiers: Orphanet 912, MedGen C3554000, MONDO:0013949, OMIM 614883.

Allele frequency attached by ClinVar (database versions not stated): gnomAD exomes below 0.00001.
gnomAD v4.1: 2 of 1,613,462 alleles (0.00012%); highest among the groups gnomAD compares: Non-Finnish European, 0.00017%; no homozygotes.

Submission:

Labcorp Genetics (formerly Invitae), Labcorp
Classification: Uncertain significance for Peroxisome biogenesis disorder 11A (Zellweger). Last evaluated: 2022-01-03. Review status: criteria provided, single submitter. Criteria: Invitae Variant Classification Sherloc (09022015). Collection method: clinical testing. Allele origin: germline.
Comment: In summary, the available evidence is currently insufficient to determine the role of this variant in disease. Therefore, it has been classified as a Variant of Uncertain Significance. Algorithms developed to predict the effect of missense changes on protein structure and function (SIFT, PolyPhen-2, Align-GVGD) all suggest that this variant is likely to be tolerated. This variant has not been reported in the literature in individuals affected with PEX13-related conditions. This variant is present in population databases (no rsID available, gnomAD 0.0009%). This sequence change replaces serine, which is neutral and polar, with glycine, which is neutral and non-polar, at codon 269 of the PEX13 protein (p.Ser269Gly).